The following is an entry in ClinVar:

ClinVar aggregate classification (germline): Uncertain significance (1 of 4 stars; one submission).

Allele frequency attached by ClinVar (database versions not stated): gnomAD exomes 0.00001 and 0.00002; gnomAD 0.00002; TOPMed 0.00002; ExAC 0.00004.
gnomAD v4.1: 18 of 1,611,712 alleles (0.0011%); highest among the groups gnomAD compares: African/African-American, 0.0067%; no homozygotes.

Submission:

Labcorp Genetics (formerly Invitae), Labcorp
Classification: Uncertain significance. Last evaluated: 2022-10-18. Review status: criteria provided, single submitter. Criteria: Invitae Variant Classification Sherloc (09022015). Collection method: clinical testing. Allele origin: germline.
Comment: In summary, the available evidence is currently insufficient to determine the role of this variant in disease. Therefore, it has been classified as a Variant of Uncertain Significance. Algorithms developed to predict the effect of missense changes on protein structure and function output the following: SIFT: "Tolerated"; PolyPhen-2: "Probably Damaging"; Align-GVGD: "Class C0". The glutamine amino acid residue is found in multiple mammalian species, which suggests that this missense change does not adversely affect protein function. ClinVar contains an entry for this variant (Variation ID: 1043717). This variant has not been reported in the literature in individuals affected with KIAA1549-related conditions. This variant is present in population databases (rs769622475, gnomAD 0.008%). This sequence change replaces arginine, which is basic and polar, with glutamine, which is neutral and polar, at codon 1107 of the KIAA1549 protein (p.Arg1107Gln).

NM_001164665.2(KIAA1549):c.3320G>A (p.Arg1107Gln)

Gene: KIAA1549 (KIAA1549; minus strand). Cytogenetic location: 7q34.
Variant type: single nucleotide variant.
Coding change: c.3320G>A on transcript NM_001164665.2 (MANE Select); coding-DNA position 3320, G replaced by A.
Protein change: p.Arg1107Gln; replaces arginine 1107 with glutamine.
Molecular consequence: missense variant.
Genome position (GRCh38, 1-based): chr7:138,907,059, C>T on the plus strand (G>A on the coding strand, the complement: KIAA1549 is on the minus strand). VCF-style: chr7-138907059-C-T. GRCh37 (hg19) VCF-style: chr7-138591805-C-T.
Other names: c.3320G>A, p.Arg1107Gln (NM_020910.3); short protein forms R1107Q.
Identifiers: ClinVar variation 1043717 (VCV001043717.4), dbSNP rs769622475, ClinGen allele CA4506242.